The following is an entry in ClinVar:

NM_014915.3(ANKRD26):c.4186G>T (p.Asp1396Tyr)

Gene: ANKRD26 (ankyrin repeat domain 26; minus strand). Cytogenetic location: 10p12.1.
Variant type: single nucleotide variant.
Coding change: c.4186G>T on transcript NM_014915.3 (MANE Select); coding-DNA position 4186, G replaced by T.
Protein change: p.Asp1396Tyr; replaces aspartic acid 1396 with tyrosine.
Molecular consequence: missense variant.
Genome position (GRCh38, 1-based): chr10:27,022,587, C>A on the plus strand (G>T on the coding strand, the complement: ANKRD26 is on the minus strand). VCF-style: chr10-27022587-C-A. GRCh37 (hg19) VCF-style: chr10-27311516-C-A.
Other names: c.4183G>T, p.Asp1395Tyr (NM_001256053.2); short protein forms D1395Y, D1396Y.
Identifiers: ClinVar variation 4859891 (VCV004859891.1).

ClinVar aggregate classification (germline): Uncertain significance (1 of 4 stars; one submission).

Conditions:
Inborn genetic diseases. Identifiers: MedGen C0950123, MeSH D030342.

gnomAD v4.1: 1 of 1,540,506 alleles (0.000065%); highest among the groups gnomAD compares: Non-Finnish European, 0.000089%; no homozygotes.

Submission:

Ambry Genetics
Classification: Uncertain significance for Inborn genetic diseases. Last evaluated: 2026-05-19. Review status: criteria provided, single submitter. Criteria: Ambry Variant Classification Scheme 2023. Collection method: clinical testing. Allele origin: germline.
Comment: The p.D1396Y variant (also known as c.4186G>T), located in coding exon 29 of the ANKRD26 gene, results from a G to T substitution at nucleotide position 4186. The aspartic acid at codon 1396 is replaced by tyrosine, an amino acid with highly dissimilar properties. This amino acid position is conserved. In addition, the in silico prediction for this alteration is inconclusive. Based on the available evidence, the clinical significance of this variant remains unclear.